The following is an entry in ClinVar:

ClinVar aggregate classification (germline): Pathogenic (1 of 4 stars; one submission).

Submission:

Labcorp Genetics (formerly Invitae), Labcorp
Classification: Pathogenic. Last evaluated: 2022-05-18. Review status: criteria provided, single submitter. Criteria: Invitae Variant Classification Sherloc (09022015). Collection method: clinical testing. Allele origin: germline.
Comment: For these reasons, this variant has been classified as Pathogenic. This sequence change creates a premature translational stop signal (p.Ile2547Tyrfs*7) in the VPS13A gene. It is expected to result in an absent or disrupted protein product. Loss-of-function variants in VPS13A are known to be pathogenic (PMID: 12404112, 21598378). This variant has not been reported in the literature in individuals affected with VPS13A-related conditions. This variant is not present in population databases (gnomAD no frequency).

Literature cited by the submitters: PubMed 12404112; PubMed 21598378.

NM_033305.3(VPS13A):c.7638dup (p.Ile2547fs)

Gene: VPS13A (vacuolar protein sorting 13 homolog A; plus strand). Cytogenetic location: 9q21.2.
Variant type: Duplication.
Coding change: c.7638dup on transcript NM_033305.3 (MANE Select); coding-DNA position 7638, one base duplicated (T; older notation c.7638dupT).
Protein change: p.Ile2547fs; shifts the reading frame from isoleucine 2547.
Molecular consequence: frameshift variant.
Genome position (GRCh38, 1-based): chr9:77,353,627, T duplicated. VCF-style (leftmost placement, unchanged base first): chr9-77353626-A-AT. GRCh37 (hg19) VCF-style: chr9-79968542-A-AT.
Other names: c.7521dup, p.Ile2508fs (NM_001018037.2); c.7638dup, p.Ile2547fs (NM_001018038.3, NM_015186.4); short protein forms I2508fs, I2547fs.
Identifiers: ClinVar variation 1996014 (VCV001996014.4), dbSNP rs2538133201, ClinGen allele CA2580080661.
Genomic context (GRCh38, chr9:77,353,626, plus strand): 5'-TGGCATTACAAGATGTTGGAATTTCTCTTGTCAACAATTACACGAAGCAAGAAGTAGCCT[A>AT]TATAGGCATTACAAGGTTAGATGCATTAAATTTTGGATACATTTAAATGATCAGTTTCTA-3'